The following is an entry in ClinVar:

ClinVar aggregate classification (germline): Uncertain significance. Review status: criteria provided, multiple submitters, no conflicts (2 of 4 stars). 2 submissions from 2 submitters: Uncertain significance (2). Last evaluated 2026-04-14.

Conditions:
Cholestasis, intrahepatic, of pregnancy, 1 (ICP1). Also called: CHOLESTASIS, PREGNANCY-RELATED, 1. Identifiers: Orphanet 69665, MedGen C3549845, MONDO:0007829, OMIM 147480.
Familial intrahepatic cholestasis. Identifiers: Orphanet 284385, MedGen CN296401, MONDO:0017290.

Allele frequency attached by ClinVar (database versions not stated): gnomAD exomes below 0.00001.
gnomAD v4.1: 2 of 1,614,034 alleles (0.00012%); highest among the groups gnomAD compares: African/African-American, 0.0027%; no homozygotes.

Submissions (2):

Genomenon, Inc
Classification: Uncertain significance for Familial intrahepatic cholestasis. Last evaluated: 2026-04-14. Review status: criteria provided, single submitter. Criteria: Genomenon Sequence Variant Interpretation Standards - Updated. Collection method: curation. Allele origin: germline. Affected: no.
Comment: ATP8B1 p.Pro23Leu (c.68C>T) is a missense variant that changes the amino acid at residue 23 from Proline to Leucine. This variant has been reported in the published literature (PMID:29238877;33070363). It is absent or not present at a significant frequency in gnomAD. In conclusion, we classify ATP8B1 p.Pro23Leu (c.68C>T) as a variant of uncertain significance.

Genomic Medicine Center of Excellence, King Faisal Specialist Hospital and Research Centre
Classification: Uncertain significance for Cholestasis, intrahepatic, of pregnancy, 1. Last evaluated: 2024-03-25. Review status: criteria provided, single submitter. Criteria: ACMG Guidelines, 2015. Collection method: clinical testing. Allele origin: germline.

Literature cited by the submitters: PubMed 29238877 (cited by Genomenon, Inc); PubMed 33070363 (cited by Genomenon, Inc).

NM_001374385.1(ATP8B1):c.68C>T (p.Pro23Leu)

Gene: ATP8B1 (ATPase phospholipid transporting 8B1; minus strand). Cytogenetic location: 18q21.31.
Variant type: single nucleotide variant.
Coding change: c.68C>T on transcript NM_001374385.1 (MANE Select); coding-DNA position 68, C replaced by T.
Protein change: p.Pro23Leu; replaces proline 23 with leucine.
Molecular consequence: missense variant.
Genome position (GRCh38, 1-based): chr18:57,731,740, G>A on the plus strand (C>T on the coding strand, the complement: ATP8B1 is on the minus strand). VCF-style: chr18-57731740-G-A. GRCh37 (hg19) VCF-style: chr18-55398972-G-A.
Other names: c.16C>T, p.Pro6Ser (NM_001374386.1); c.68C>T, p.Pro23Leu (NM_005603.6); short protein forms P23L, P6S.
Identifiers: ClinVar variation 3064870 (VCV003064870.2), dbSNP rs1345769999, ClinGen allele CA402557334.